The following is an entry in ClinVar:

NM_005120.3(MED12):c.6165GCAACAGCA[3] (p.Gln2074_Gln2076dup)

Gene: MED12 (mediator complex subunit 12; plus strand). Cytogenetic location: Xq13.1.
Variant type: Microsatellite.
Coding change: c.6165GCAACAGCA[3] on transcript NM_005120.3 (MANE Select); three copies in a row of the 9-base unit GCAACAGCA starting at c.6165; the reference has two copies in a row; one copy, 9 bases duplicated; also written c.6174_6182dup.
Protein change: p.Gln2074_Gln2076dup.
Molecular consequence: inframe insertion.
Genome position (GRCh38, 1-based): chrX:71,140,764-71,140,772, GCAACAGCA duplicated; duplicating any 9 consecutive bases within chrX:71,140,750-71,140,772 gives the same sequence; the position shown is the placement nearest the transcript's 3' end. VCF-style (leftmost placement, unchanged base first): chrX-71140749-G-GCAGCAGCAA. GRCh37 (hg19) VCF-style: chrX-70360599-G-GCAGCAGCAA.
Other names: c.6174_6182dup (NM_005120.2); c.6174_6182dupGCAACAGCA (NM_005120.3).
Identifiers: ClinVar variation 704808 (VCV000704808.13), dbSNP rs762261992, ClinGen allele CA10444882.
Genomic context (GRCh38, chrX:71,140,749, plus strand): 5'-GAGTGCCCAGGGCGTCCAGGCAGGCGTCCGTTCAACAGCCATCCTACCTGAGCAGCAGCA[G>GCAGCAGCAA]CAGCAGCAACAGCAGCAACAGCAACAGCAGCAGCAGCAGCAACAGCAACAGCAGCAGCAG-3'

ClinVar aggregate classification (germline): Conflicting classifications of pathogenicity. Review status: criteria provided, conflicting classifications (1 of 4 stars). 3 submissions from 3 submitters: Uncertain significance (1); Benign (1); Likely benign (1). Last evaluated 2025-12-06.

Conditions:
FG syndrome (FGS). Identifiers: MedGen C0220769, MONDO:0002010.

Submissions (3):

Labcorp Genetics (formerly Invitae), Labcorp
Classification: Likely benign for FG syndrome. Last evaluated: 2025-12-06. Review status: criteria provided, single submitter. Criteria: Invitae Variant Classification Sherloc (09022015). Collection method: clinical testing. Allele origin: germline.

Laboratory of Genetics, Children's Clinical University Hospital Latvia
Classification: Benign. Last evaluated: 2025-02-16. Review status: criteria provided, single submitter. Criteria: ACMG Guidelines, 2015. Collection method: clinical testing. Allele origin: germline. Affected: yes.

Women's Health and Genetics/Laboratory Corporation of America, LabCorp
Classification: Uncertain significance. Last evaluated: 2024-03-05. Review status: criteria provided, single submitter. Criteria: LabCorp Variant Classification Summary - May 2015. Collection method: clinical testing. Allele origin: germline.
Comment: Variant summary: MED12 c.6174_6182dupGCAACAGCA (p.Gln2074_Gln2076dup) results in an in-frame duplication that is predicted to duplicate three amino acids into the encoded protein. The variant allele was found at a frequency of 2.2e-05 in 179849 control chromosomes. The available data on variant occurrences in the general population are insufficient to allow any conclusion about variant significance. To our knowledge, no occurrence of c.6174_6182dupGCAACAGCA in individuals affected with MED12-Related Disorders and no experimental evidence demonstrating its impact on protein function have been reported. ClinVar contains an entry for this variant (Variation ID: 704808). Based on the evidence outlined above, the variant was classified as uncertain significance.